The following is an entry in ClinVar:

ClinVar aggregate classification (germline): Uncertain significance (1 of 4 stars; one submission).

Allele frequency attached by ClinVar (database versions not stated): TOPMed below 0.00001.

Submission:

GeneDx
Classification: Uncertain significance. Last evaluated: 2022-06-09. Review status: criteria provided, single submitter. Criteria: GeneDx Variant Classification Process June 2021. Collection method: clinical testing. Allele origin: germline. Affected: yes.
Comment: Not observed at significant frequency in large population cohorts (gnomAD); In silico analysis supports that this missense variant has a deleterious effect on protein structure/function; Has not been previously published as pathogenic or benign to our knowledge

NM_001312909.2(FAM111A):c.634T>C (p.Cys212Arg)

Gene: FAM111A (FAM111 trypsin like peptidase A; plus strand). Cytogenetic location: 11q12.1.
Variant type: single nucleotide variant.
Coding change: c.634T>C on transcript NM_001312909.2 (MANE Select); coding-DNA position 634, T replaced by C.
Protein change: p.Cys212Arg; replaces cysteine 212 with arginine.
Molecular consequence: missense variant.
Genome position (GRCh38, 1-based): chr11:59,152,302, T>C. VCF-style: chr11-59152302-T-C. GRCh37 (hg19) VCF-style: chr11-58919775-T-C.
Other names: c.634T>C, p.Cys212Arg (NM_001142519.3, NM_001142520.3, NM_001142521.3 and 29 more transcripts); short protein forms C212R.
Identifiers: ClinVar variation 1803406 (VCV001803406.1), dbSNP rs1861783097, ClinGen allele CA380775769.